The following is an entry in ClinVar:

ClinVar aggregate classification (germline): Uncertain significance (0 of 4 stars; one submission).

Conditions:
SCAPER-related disorder. Also called: SCAPER-related condition.

Submission:

PreventionGenetics, part of Exact Sciences
Classification: Uncertain significance for SCAPER-related condition. Last evaluated: 2024-09-17. Review status: no assertion criteria provided. Collection method: clinical testing. Allele origin: germline.
Comment: The SCAPER c.3345G>A variant is predicted to result in the amino acid substitution p.Met1115Ile. To our knowledge, this variant has not been reported in the literature. This variant is reported in 0.015% of alleles in individuals of Latino descent in gnomAD. At this time, the clinical significance of this variant is uncertain due to the absence of conclusive functional and genetic evidence.

NM_020843.4(SCAPER):c.3327G>A (p.Met1109Ile)

Gene: SCAPER (S-phase cyclin A associated protein in the ER; minus strand). Cytogenetic location: 15q24.3.
Variant type: single nucleotide variant.
Coding change: c.3327G>A on transcript NM_020843.4 (MANE Select); coding-DNA position 3327, G replaced by A.
Protein change: p.Met1109Ile; replaces methionine 1109 with isoleucine.
Molecular consequence: missense variant. On other transcripts: non-coding transcript variant (1).
Genome position (GRCh38, 1-based): chr15:76,404,664, C>T on the plus strand (G>A on the coding strand, the complement: SCAPER is on the minus strand). VCF-style: chr15-76404664-C-T. GRCh37 (hg19) VCF-style: chr15-76697005-C-T.
Other names: c.2589G>A, p.Met863Ile (NM_001145923.2); c.3345G>A, p.Met1115Ile (NM_001353009.2); c.2925G>A, p.Met975Ile (NM_001353010.2, NM_001353012.2); c.2943G>A, p.Met981Ile (NM_001353011.2); short protein forms M1109I, M1115I, M863I, M975I, M981I.
Identifiers: ClinVar variation 3353062 (VCV003353062.1).